The following is an entry in ClinVar:

ClinVar aggregate classification (germline): Conflicting classifications of pathogenicity. Review status: criteria provided, conflicting classifications (1 of 4 stars). 3 submissions from 3 submitters: Uncertain significance (2); Likely benign (1). Last evaluated 2024-12-15.

Conditions:
Inborn genetic diseases. Identifiers: MedGen C0950123, MeSH D030342.
Developmental and epileptic encephalopathy, 1 (DEE1). Also called: OHTAHARA SYNDROME, X-LINKED; X-linked infantile spasms; West's syndrome; Tonic spasms with clustering, arrest of psychomotor development and hypsarrhythmia on EEG; X-Linked Infantile Spasm Syndrome; INFANTILE SPASM SYNDROME, X-LINKED 1. Identifiers: MedGen C3463992, MONDO:0010632, OMIM 308350. Disease mechanism: loss of function.
Intellectual disability, X-linked, with or without seizures, ARX-related. Also called: INTELLECTUAL DEVELOPMENTAL DISORDER, X-LINKED 29; MENTAL RETARDATION, X-LINKED 29; MENTAL RETARDATION, X-LINKED 32; MENTAL RETARDATION, X-LINKED 33; MENTAL RETARDATION, X-LINKED 38; MENTAL RETARDATION, X-LINKED 43. Identifiers: Orphanet 777, MedGen C0796244, MONDO:0010317, OMIM 300419.

Allele frequency attached by ClinVar (database versions not stated): gnomAD 0.00017 and 0.00021; TOPMed 0.00019.
gnomAD v4.1: 32 of 935,863 alleles (0.0034%); highest among the groups gnomAD compares: African/African-American, 0.062%; no homozygotes.

Submissions (3):

Labcorp Genetics (formerly Invitae), Labcorp
Classification: Uncertain significance for Developmental and epileptic encephalopathy, 1; Intellectual disability, X-linked, with or without seizures, ARX-related. Last evaluated: 2024-12-15. Review status: criteria provided, single submitter. Criteria: Invitae Variant Classification Sherloc (09022015). Collection method: clinical testing. Allele origin: germline.
Comment: This sequence change replaces proline, which is neutral and non-polar, with glutamine, which is neutral and polar, at codon 185 of the ARX protein (p.Pro185Gln). The frequency data for this variant in the population databases is considered unreliable, as metrics indicate poor data quality at this position in the gnomAD database. This variant has not been reported in the literature in individuals affected with ARX-related conditions. ClinVar contains an entry for this variant (Variation ID: 663334). Invitae Evidence Modeling of protein sequence and biophysical properties (such as structural, functional, and spatial information, amino acid conservation, physicochemical variation, residue mobility, and thermodynamic stability) indicates that this missense variant is not expected to disrupt ARX protein function with a negative predictive value of 95%. In summary, the available evidence is currently insufficient to determine the role of this variant in disease. Therefore, it has been classified as a Variant of Uncertain Significance.

Ambry Genetics
Classification: Uncertain significance for Inborn genetic diseases. Last evaluated: 2020-05-19. Review status: criteria provided, single submitter. Criteria: Ambry Variant Classification Scheme 2023. Collection method: clinical testing. Allele origin: germline.

GeneDx
Classification: Likely benign. Last evaluated: 2020-02-06. Review status: criteria provided, single submitter. Criteria: GeneDx Variant Classification Process June 2021. Collection method: clinical testing. Allele origin: germline. Affected: yes.

NM_139058.3(ARX):c.554C>A (p.Pro185Gln)

Gene: ARX (aristaless related homeobox; minus strand). Cytogenetic location: Xp21.3.
Variant type: single nucleotide variant.
Coding change: c.554C>A on transcript NM_139058.3 (MANE Select); coding-DNA position 554, C replaced by A.
Protein change: p.Pro185Gln; replaces proline 185 with glutamine.
Molecular consequence: missense variant.
Genome position (GRCh38, 1-based): chrX:25,013,441, G>T on the plus strand (C>A on the coding strand, the complement: ARX is on the minus strand). VCF-style: chrX-25013441-G-T. GRCh37 (hg19) VCF-style: chrX-25031558-G-T.
Other names: short protein forms P185Q.
Identifiers: ClinVar variation 663334 (VCV000663334.15), dbSNP rs925128416, ClinGen allele CA327733053.